The following is an entry in ClinVar:

ClinVar aggregate classification (germline): Uncertain significance. Review status: criteria provided, multiple submitters, no conflicts (2 of 4 stars). 5 submissions from 5 submitters: Uncertain significance (5). Last evaluated 2025-12-19.

Conditions:
PKD2-related disorder. Also called: PKD2-related condition.
Autosomal dominant polycystic kidney disease. Identifiers: Orphanet 730, MedGen C0085413, MONDO:0004691.
Polycystic kidney disease 2 (PKD2). Also called: POLYCYSTIC KIDNEY DISEASE, ADULT, TYPE II; POLYCYSTIC KIDNEY DISEASE 2 WITH OR WITHOUT POLYCYSTIC LIVER DISEASE; Polycystic Kidney Disease 2, Autosomal Dominant. Identifiers: MedGen C2751306, MONDO:0013131, OMIM 613095.

Allele frequency attached by ClinVar (database versions not stated): gnomAD 0.00004; TOPMed 0.00006; ExAC 0.00007; gnomAD exomes 0.00007 and 0.00009.
gnomAD v4.1: 112 of 1,572,478 alleles (0.0071%); highest among the groups gnomAD compares: Middle Eastern, 0.18%; no homozygotes.

Submissions (5):

PreventionGenetics, part of Exact Sciences
Classification: Uncertain significance for PKD2-related condition. Last evaluated: 2025-12-19. Review status: criteria provided, single submitter. Criteria: ACMG Guidelines, 2015. Collection method: clinical testing. Allele origin: germline.
Comment: The PKD2 c.1555G>A variant is predicted to result in the amino acid substitution p.Val519Met. To our knowledge, this variant has not been reported in the literature. This variant is reported in 0.020% of alleles in individuals of South Asian descent in gnomAD. This population data is not consistent with this variant being a primary cause of disease. Although we suspect that this variant may be benign, at this time, the clinical significance of this variant is uncertain due to the absence of conclusive functional and genetic evidence.

Labcorp Genetics (formerly Invitae), Labcorp
Classification: Uncertain significance for Autosomal dominant polycystic kidney disease. Last evaluated: 2025-12-08. Review status: criteria provided, single submitter. Criteria: Invitae Variant Classification Sherloc (09022015). Collection method: clinical testing. Allele origin: germline.
Comment: This sequence change replaces valine, which is neutral and non-polar, with methionine, which is neutral and non-polar, at codon 519 of the PKD2 protein (p.Val519Met). This variant is present in population databases (rs148920907, gnomAD 0.02%), and has an allele count higher than expected for a pathogenic variant. This variant has not been reported in the literature in individuals affected with PKD2-related conditions. ClinVar contains an entry for this variant (Variation ID: 220269). Invitae Evidence Modeling of protein sequence and biophysical properties (such as structural, functional, and spatial information, amino acid conservation, physicochemical variation, residue mobility, and thermodynamic stability) indicates that this missense variant is not expected to disrupt PKD2 protein function with a negative predictive value of 80%. In summary, the available evidence is currently insufficient to determine the role of this variant in disease. Therefore, it has been classified as a Variant of Uncertain Significance.

Blueprint Genetics
Classification: Uncertain significance. Last evaluated: 2024-10-07. Review status: criteria provided, single submitter. Criteria: ACMG Guidelines, 2015. Collection method: clinical testing. Allele origin: germline.

Illumina Laboratory Services, Illumina
Classification: Uncertain significance for Polycystic kidney disease 2. Last evaluated: 2018-01-13. Review status: criteria provided, single submitter. Criteria: ICSL Variant Classification Criteria 13 December 2019. Collection method: clinical testing. Allele origin: germline.

ARUP Laboratories, Molecular Genetics and Genomics, ARUP Laboratories
Classification: Uncertain significance. Last evaluated: 2017-02-03. Review status: criteria provided, single submitter. Criteria: ARUP Molecular Germline Variant Investigation Process. Collection method: clinical testing. Allele origin: germline.

NM_000297.4(PKD2):c.1555G>A (p.Val519Met)

Gene: PKD2 (polycystin 2, transient receptor potential cation channel; plus strand). Cytogenetic location: 4q22.1.
Variant type: single nucleotide variant.
Coding change: c.1555G>A on transcript NM_000297.4 (MANE Select); coding-DNA position 1555, G replaced by A.
Protein change: p.Val519Met; replaces valine 519 with methionine.
Molecular consequence: missense variant. On other transcripts: non-coding transcript variant (1).
Genome position (GRCh38, 1-based): chr4:88,051,997, G>A. VCF-style: chr4-88051997-G-A. GRCh37 (hg19) VCF-style: chr4-88973149-G-A.
Other names: short protein forms V519M.
Identifiers: ClinVar variation 220269 (VCV000220269.19), dbSNP rs148920907, ClinGen allele CA349394.
Genomic context (GRCh38, chr4:88,051,997, plus strand): 5'-TAAGTTTCATATTTCTAAAACACTGTAATAAAATATAAATATTTTGCTTTTCAGCTGTCA[G>A]TGGTAGCTATAGGAATTAACATATACAGAACATCAAATGTGGAGGTGCTACTACAGTTTC-3'
Protein context (NP_000288.1, residues 509-529): CLDVVIVVLS[Val519Met]VAIGINIYRT